The following is an entry in ClinVar:

NC_000010.10:g.(?_70174796)_(70176632_?)del

Gene: DNA2 (DNA replication helicase/nuclease 2; minus strand). Cytogenetic location: 10q21.3.
Variant type: Deletion.
Identifiers: ClinVar variation 3244956 (VCV003244956.1).

ClinVar aggregate classification (germline): Uncertain significance (1 of 4 stars; one submission).

Submission:

Labcorp Genetics (formerly Invitae), Labcorp
Classification: Uncertain significance. Last evaluated: 2023-08-20. Review status: criteria provided, single submitter. Criteria: Invitae Variant Classification Sherloc (09022015). Collection method: clinical testing. Allele origin: unknown.
Comment: In summary, the available evidence is currently insufficient to determine the role of this variant in disease. Therefore, it has been classified as a Variant of Uncertain Significance. This variant has not been reported in the literature in individuals affected with DNA2-related conditions. This variant is a gross deletion of the genomic region encompassing exon(s) 20-21 of the DNA2 gene, which includes the termination codon. This deletion extends beyond the assayed region for this gene and therefore may encompass additional genes. While this deletion is not anticipated to lead to nonsense mediated decay, it is expected to alter mRNA translation or result in a truncated protein product.